The following is an entry in ClinVar:

ClinVar aggregate classification (germline): Uncertain significance (1 of 4 stars; one submission).

Conditions:
Congenital myasthenic syndrome 8. Also called: MYASTHENIC SYNDROME, CONGENITAL, DUE TO AGRIN DEFICIENCY; Myasthenic syndrome, congenital, 8, with pre- and postsynaptic defects. Identifiers: Orphanet 590, MedGen C3808739, MONDO:0014052, OMIM 615120.

Submission:

Labcorp Genetics (formerly Invitae), Labcorp
Classification: Uncertain significance for Congenital myasthenic syndrome 8. Last evaluated: 2024-10-28. Review status: criteria provided, single submitter. Criteria: Invitae Variant Classification Sherloc (09022015). Collection method: clinical testing. Allele origin: germline.
Comment: This sequence change replaces valine, which is neutral and non-polar, with alanine, which is neutral and non-polar, at codon 117 of the AGRN protein (p.Val117Ala). This variant is not present in population databases (gnomAD no frequency). This variant has not been reported in the literature in individuals affected with AGRN-related conditions. ClinVar contains an entry for this variant (Variation ID: 1364099). An algorithm developed to predict the effect of missense changes on protein structure and function (PolyPhen-2) suggests that this variant is likely to be disruptive. In summary, the available evidence is currently insufficient to determine the role of this variant in disease. Therefore, it has been classified as a Variant of Uncertain Significance.

NM_198576.4(AGRN):c.350T>C (p.Val117Ala)

Genes: AGRN (agrin; plus strand), LOC126805576 (P300/CBP strongly-dependent group 1 enhancer GRCh37_chr1:956772-957971; plus strand). Cytogenetic location: 1p36.33.
Variant type: single nucleotide variant.
Coding change: c.350T>C on transcript NM_198576.4 (MANE Select); coding-DNA position 350, T replaced by C.
Protein change: p.Val117Ala; replaces valine 117 with alanine.
Molecular consequence: missense variant.
Genome position (GRCh38, 1-based): chr1:1,022,349, T>C. VCF-style: chr1-1022349-T-C. GRCh37 (hg19) VCF-style: chr1-957729-T-C.
Other names: c.350T>C, p.Val117Ala (NM_001305275.2); short protein forms V117A.
Identifiers: ClinVar variation 1364099 (VCV001364099.8), dbSNP rs2100563474, ClinGen allele CA337813130.